The following is an entry in ClinVar:

ClinVar aggregate classification (germline): Pathogenic/Likely pathogenic. Review status: criteria provided, multiple submitters, no conflicts (2 of 4 stars). 7 submissions from 7 submitters: Pathogenic (2); Likely pathogenic (3). 2 of the submissions do not count toward it. Last evaluated 2026-01-30.

Conditions:
THRB-related disorder. Also called: THRB-related condition.
Thyroid hormone resistance syndrome. Identifiers: MedGen C2940786, MONDO:0001328.
Thyroid hormone resistance, generalized, autosomal dominant (GRTHD). Also called: HYPERTHYROXINEMIA, FAMILIAL EUTHYROID, SECONDARY TO PITUITARY AND PERIPHERAL RESISTANCE TO THYROID HORMONES. Identifiers: MedGen C2937288, MONDO:0008569, OMIM 188570.
Thyroid hormone resistance, generalized, autosomal recessive (GRTHR). Also called: REFETOFF SYNDROME. Identifiers: MedGen C3489796, MONDO:0010131, OMIM 274300.

gnomAD v4.1: 1 of 1,614,092 alleles (0.000062%); no homozygotes.

Submissions (7):

PreventionGenetics, part of Exact Sciences
Classification: Likely pathogenic for THRB-related condition. Last evaluated: 2026-01-30. Review status: criteria provided, single submitter. Criteria: ACMG Guidelines, 2015. Collection method: clinical testing. Allele origin: germline.
Comment: The THRB c.803C>G variant is predicted to result in the amino acid substitution p.Ala268Gly. This variant has been reported in multiple patients and families with thyroid hormone resistance (see for example: Jézéquel et al. 1996. PubMed ID: 8956060; El Shafie et al. 2014. PubMed ID: 24393243; Rivolta et al. 2009. PubMed ID: 19268523). It has not been reported in a large population database (gnomAD), indicating that it is rare. This variant is interpreted as pathogenic or likely pathogenic by multiple laboratories in ClinVar (Variation ID: 492912). Taken together, we interpret this variant as likely pathogenic.

Quest Diagnostics Nichols Institute San Juan Capistrano
Classification: Pathogenic. Last evaluated: 2024-02-06. Review status: criteria provided, single submitter. Criteria: Quest Diagnostics criteria. Collection method: clinical testing. Allele origin: unknown.
Comment: The THRB c.803C>G (p.Ala268Gly) variant has been reported in the published literature in individuals/families with clinical features of resistance to thyroid hormone (RTH) syndrome (PMID: 24393243 (2014), 19268523 (2009), 8956060 (1996)), and is observed to be statistically associated with disease in one family (PMID: 8956060 (1996)). This variant has not been reported in large, multi-ethnic general populations (Genome Aggregation Database). Analysis of this variant using bioinformatics tools for the prediction of the effect of amino acid changes on protein structure and function yielded predictions that this variant is damaging. Based on the available information, this variant is classified as pathogenic.

Women's Health and Genetics/Laboratory Corporation of America, LabCorp
Classification: Likely pathogenic for Thyroid hormone resistance, generalized, autosomal dominant. Last evaluated: 2023-09-12. Review status: criteria provided, single submitter. Criteria: LabCorp Variant Classification Summary - May 2015. Collection method: clinical testing. Allele origin: germline.
Comment: Variant summary: THRB c.803C>G (p.Ala268Gly) results in a non-conservative amino acid change in the encoded protein sequence. Four of five in-silico tools predict a damaging effect of the variant on protein function. The variant was absent in 251360 control chromosomes. c.803C>G has been reported in the literature in multiple individuals affected with Thyroid Hormone Resistance, Generalized, Autosomal Dominant (example, ElShafie_2014, Rivolta_2009). Particularly, this variant has been reported to co-segregate with disease in 11 affected cases and not present in the unaffected individuals of a large family diagnosed with autosomal dominant Thyroid Hormone Resistance, as a communication that has not provided enough clinical/genetic details (Jezequel_1996). These data indicate that the variant is likely to be associated with disease. To our knowledge, no experimental evidence demonstrating an impact on protein function has been reported. The following publications have been ascertained in the context of this evaluation (PMID: 24393243, 8956060, 19268523). Two submitters have cited clinical-significance assessments for this variant to ClinVar after 2014. Both submitters classified the variant as likely pathogenic. Based on the evidence outlined above, the variant was classified as likely pathogenic.

GeneDx
Classification: Likely pathogenic. Last evaluated: 2023-09-01. Review status: criteria provided, single submitter. Criteria: GeneDx Variant Classification Process June 2021. Collection method: clinical testing. Allele origin: germline. Affected: yes.
Comment: Not observed at a significant frequency in large population cohorts (gnomAD); In silico analysis supports that this missense variant has a deleterious effect on protein structure/function; This variant is associated with the following publications: (PMID: 24393243, 19268523, 8956060, 30976996)

Victorian Clinical Genetics Services, Murdoch Childrens Research Institute
Classification: Pathogenic for Thyroid hormone resistance syndrome. Last evaluated: 2021-05-06. Review status: criteria provided, single submitter. Criteria: ACMG Guidelines, 2015. Collection method: clinical testing. Allele origin: germline.
Comment: Based on the classification scheme VCGS_Germline_v1.3.4, this variant is classified as Pathogenic. Following criteria are met: 0104 - Dominant negative is a known mechanism of disease in this gene and is associated with thyroid hormone resistance (OMIM). 0108 - This gene is associated with both recessive and dominant disease. Autosomal dominant disease is due to the THRB mutant protein exerting a dominant negative effect on the wild type protein while recessive disease is due to a full deletion of a single THRB allele where a protein is not produced (PMID: 30976996). (I) 0115 - Variants in this gene are known to have variable expressivity. Clinical variability and heterogeneity is well documented in affected individuals (PMID: 30976996). (I) 0200 - Variant is predicted to result in a missense amino acid change from alanine to glycine. (I) 0251 - This variant is heterozygous. (I) 0301 - Variant is absent from gnomAD (both v2 and v3). (SP) 0309 - An alternative amino acid change at the same position has been observed in gnomAD (v2) (1 heterozygote, 0 homozygotes). (I) 0502 - Missense variant with conflicting in silico predictions and uninformative conservation. (I) 0603 - Missense variant in a region that is highly intolerant to missense variation (high constraint region in DECIPHER). (SP) 0704 - Another missense variant comparable to the one identified in this case has limited previous evidence for pathogenicity. The p.(Ala268Asp) variant has been identified in three individuals with resistance to thyroid hormone (PMIDs: 9707435, 27853072). (SP) 0802 - This variant has moderate previous evidence of pathogenicity in unrelated individuals. This variant has been reported as heterozygous in four individuals with clinically confirmed resistance to thyroid hormone (PMIDs: 8956060, 19268523, 20237409, 24393243). (SP) 0905 - No published segregation evidence has been identified for this variant. (I) 1007 - No published functional evidence has been identified for this variant. (I) 1208 - Inheritance information for this variant is not currently available in this individual. (I) Legend: (SP) - Supporting pathogenic, (I) - Information, (SB) - Supporting benign

Department of Genetics, Sultan Qaboos University Hospital
Classification: Likely pathogenic for Thyroid hormone resistance, generalized, autosomal recessive. Last evaluated: 2017-12-30. Review status: no assertion criteria provided. Collection method: curation. Allele origin: unknown. Affected: yes. Not counted in ClinVar's aggregate classification.

Clinical Molecular Genetics Laboratory, Johns Hopkins All Children's Hospital
Classification: Pathogenic for Thyroid hormone resistance, generalized, autosomal dominant. Last evaluated: 2012-02-21. Review status: no assertion criteria provided. Collection method: clinical testing. Allele origin: germline. Affected: yes. Not counted in ClinVar's aggregate classification.

Literature cited by the submitters: PubMed 24393243 (cited by 4 submitters); PubMed 19268523 (cited by 3 submitters); PubMed 8956060 (cited by 3 submitters); PubMed 30976996 (cited by Quest Diagnostics Nichols Institute San Juan Capistrano and Victorian Clinical Genetics Services, Murdoch Childrens Research Institute); PubMed 9707435 (cited by Victorian Clinical Genetics Services, Murdoch Childrens Research Institute); PubMed 20237409 (cited by Victorian Clinical Genetics Services, Murdoch Childrens Research Institute); PubMed 27853072 (cited by Victorian Clinical Genetics Services, Murdoch Childrens Research Institute).

NM_001354712.2(THRB):c.803C>G (p.Ala268Gly)

Gene: THRB (thyroid hormone receptor beta; minus strand). Cytogenetic location: 3p24.2.
Variant type: single nucleotide variant.
Coding change: c.803C>G on transcript NM_001354712.2 (MANE Select); coding-DNA position 803, C replaced by G.
Protein change: p.Ala268Gly; replaces alanine 268 with glycine.
Molecular consequence: missense variant.
Genome position (GRCh38, 1-based): chr3:24,133,398, G>C on the plus strand (C>G on the coding strand, the complement: THRB is on the minus strand). VCF-style: chr3-24133398-G-C. GRCh37 (hg19) VCF-style: chr3-24174889-G-C.
Other names: c.803C>G, p.Ala268Gly (NM_000461.5, NM_001128176.3, NM_001128177.2 and 6 more transcripts); c.710C>G, p.Ala237Gly (NM_001354714.2, NM_001354715.2); c.803C>G (NM_001354712.1); short protein forms A268G, A237G.
Identifiers: ClinVar variation 492912 (VCV000492912.11), dbSNP rs750905761, ClinGen allele CA351889763.
Genomic context (GRCh38, chr3:24,133,398, plus strand): 5'-TTGGCAAAATCCACCACTCTGGTAATTGCTGGTGTGATGATTTTTGTAAAATGGCTGAAG[G>C]CTTCCAAGTCAACCTTTCCACCTTCTGGGGCATTGACTATTGGTGCTTGTCCAATGTCTT-3'
Protein context (NP_001341641.1, residues 258-278): APEGGKVDLE[Ala268Gly]FSHFTKIITP